The following is an entry in ClinVar:

NM_001164665.2(KIAA1549):c.2077T>A (p.Phe693Ile)

Gene: KIAA1549 (KIAA1549; minus strand). Cytogenetic location: 7q34.
Variant type: single nucleotide variant.
Coding change: c.2077T>A on transcript NM_001164665.2 (MANE Select); coding-DNA position 2077, T replaced by A.
Protein change: p.Phe693Ile; replaces phenylalanine 693 with isoleucine.
Molecular consequence: missense variant.
Genome position (GRCh38, 1-based): chr7:138,917,549, A>T on the plus strand (T>A on the coding strand, the complement: KIAA1549 is on the minus strand). VCF-style: chr7-138917549-A-T. GRCh37 (hg19) VCF-style: chr7-138602295-A-T.
Other names: c.2077T>A, p.Phe693Ile (NM_020910.3); short protein forms F693I.
Identifiers: ClinVar variation 1390071 (VCV001390071.6), dbSNP rs2130478836, ClinGen allele CA369394339.

ClinVar aggregate classification (germline): Uncertain significance (1 of 4 stars; one submission).

Submission:

Labcorp Genetics (formerly Invitae), Labcorp
Classification: Uncertain significance. Last evaluated: 2021-10-29. Review status: criteria provided, single submitter. Criteria: Invitae Variant Classification Sherloc (09022015). Collection method: clinical testing. Allele origin: germline.
Comment: In summary, the available evidence is currently insufficient to determine the role of this variant in disease. Therefore, it has been classified as a Variant of Uncertain Significance. Algorithms developed to predict the effect of missense changes on protein structure and function (SIFT, PolyPhen-2, Align-GVGD) all suggest that this variant is likely to be tolerated. This variant has not been reported in the literature in individuals affected with KIAA1549-related conditions. This variant is not present in population databases (gnomAD no frequency). This sequence change replaces phenylalanine, which is neutral and non-polar, with isoleucine, which is neutral and non-polar, at codon 693 of the KIAA1549 protein (p.Phe693Ile).